The following is an entry in ClinVar:

NM_003235.5(TG):c.5686+3A>C

Gene: TG (thyroglobulin; plus strand). Cytogenetic location: 8q24.22.
Variant type: single nucleotide variant.
Coding change: c.5686+3A>C on transcript NM_003235.5 (MANE Select); 3 bases into the intron after coding-DNA position 5686, A replaced by C.
Molecular consequence: intron variant.
Genome position (GRCh38, 1-based): chr8:132,966,700, A>C. VCF-style: chr8-132966700-A-C. GRCh37 (hg19) VCF-style: chr8-133978945-A-C.
Identifiers: ClinVar variation 3572867 (VCV003572867.1).
Genomic context (GRCh38, chr8:132,966,700, plus strand): 5'-CACTGGCTTTTCAAGCACCTGTTTTCAGCCCAGCAGGCAAACCTATGGTGCCTTTCTCGT[A>C]AGTATCCTTAGAACTCATTCTTCTTCTTCCAGACACTGTAGTCAGGCATCACAGGCCAAG-3'

ClinVar aggregate classification (germline): Uncertain significance (0 of 4 stars; one submission).

Conditions:
Iodotyrosyl coupling defect (TDH3). Also called: HYPOTHYROIDISM, CONGENITAL, DUE TO DYSHORMONOGENESIS, 3; THYROID HORMONOGENESIS, GENETIC DEFECT IN, 3. Identifiers: Orphanet 95716, MedGen C0342194, MONDO:0010135, OMIM 274700.

Submission:

Istanbul Faculty of Medicine, Istanbul University
Classification: Uncertain significance for Iodotyrosyl coupling defect. Last evaluated: 2024-12-25. Review status: no assertion criteria provided. Collection method: clinical testing. Allele origin: germline. Inheritance: Autosomal recessive inheritance. Affected: yes. Observed: 1 homozygote.
Comment: Exon 30 is skipped in mRNA isolated from blood cells.